The following is an entry in ClinVar:

NM_002528.7(NTHL1):c.40A>G (p.Ser14Gly)

Gene: NTHL1 (nth like DNA glycosylase 1; minus strand). Cytogenetic location: 16p13.3.
Variant type: single nucleotide variant.
Coding change: c.40A>G on transcript NM_002528.7 (MANE Select); coding-DNA position 40, A replaced by G.
Protein change: p.Ser14Gly; replaces serine 14 with glycine.
Molecular consequence: missense variant. On other transcripts: 5 prime UTR variant (1).
Genome position (GRCh38, 1-based): chr16:2,047,784, T>C on the plus strand (A>G on the coding strand, the complement: NTHL1 is on the minus strand). VCF-style: chr16-2047784-T-C. GRCh37 (hg19) VCF-style: chr16-2097785-T-C.
Other names: c.40A>G, p.Ser14Gly (NM_001318193.2); c.-139A>G (NM_001318194.2); short protein forms S14G.
Identifiers: ClinVar variation 826448 (VCV000826448.7), dbSNP rs1596228177, ClinGen allele CA394298548.

ClinVar aggregate classification (germline): Uncertain significance. Review status: criteria provided, multiple submitters, no conflicts (2 of 4 stars). 2 submissions from 2 submitters: Uncertain significance (2). Last evaluated 2025-01-31.

Conditions:
Hereditary cancer-predisposing syndrome. Also called: Neoplastic Syndromes, Hereditary; Tumor predisposition; Hereditary neoplastic syndrome; Hereditary Cancer Syndrome. Identifiers: Orphanet 140162, MedGen C0027672, MeSH D009386, MONDO:0015356.

Allele frequency attached by ClinVar (database versions not stated): gnomAD exomes below 0.00001.
gnomAD v4.1: 2 of 1,589,450 alleles (0.00013%); highest among the groups gnomAD compares: East Asian, 0.0045%; no homozygotes.

Submissions (2):

Labcorp Genetics (formerly Invitae), Labcorp
Classification: Uncertain significance. Last evaluated: 2025-01-31. Review status: criteria provided, single submitter. Criteria: Invitae Variant Classification Sherloc (09022015). Collection method: clinical testing. Allele origin: germline.
Comment: This sequence change replaces serine, which is neutral and polar, with glycine, which is neutral and non-polar, at codon 22 of the NTHL1 protein (p.Ser22Gly). This variant is not present in population databases (gnomAD no frequency). This variant has not been reported in the literature in individuals affected with NTHL1-related conditions. ClinVar contains an entry for this variant (Variation ID: 826448). An algorithm developed to predict the effect of missense changes on protein structure and function (PolyPhen-2) suggests that this variant is likely to be disruptive. In summary, the available evidence is currently insufficient to determine the role of this variant in disease. Therefore, it has been classified as a Variant of Uncertain Significance.

Ambry Genetics
Classification: Uncertain significance for Hereditary cancer-predisposing syndrome. Last evaluated: 2024-11-21. Review status: criteria provided, single submitter. Criteria: Ambry Variant Classification Scheme 2023. Collection method: clinical testing. Allele origin: germline.
Comment: The p.S22G variant (also known as c.64A>G), located in coding exon 1 of the NTHL1 gene, results from an A to G substitution at nucleotide position 64. The serine at codon 22 is replaced by glycine, an amino acid with similar properties. This amino acid position is well conserved in available vertebrate species. In addition, this alteration is predicted to be tolerated by in silico analysis. Since supporting evidence is limited at this time, the clinical significance of this alteration remains unclear.